The following is an entry in ClinVar:

NM_153676.4(USH1C):c.1086-108A>G

Gene: USH1C (USH1 protein network component harmonin; minus strand). Cytogenetic location: 11p15.1.
Variant type: single nucleotide variant.
Coding change: c.1086-108A>G on transcript NM_153676.4 (MANE Select); 108 bases into the intron before coding-DNA position 1086, A replaced by G.
Molecular consequence: intron variant.
Genome position (GRCh38, 1-based): chr11:17,521,102, T>C on the plus strand (A>G on the coding strand, the complement: USH1C is on the minus strand). VCF-style: chr11-17521102-T-C. GRCh37 (hg19) VCF-style: chr11-17542649-T-C.
Other names: c.1029-108A>G (NM_001297764.2); c.1086-108A>G (NM_005709.4).
Identifiers: ClinVar variation 670414 (VCV000670414.5), dbSNP rs2041032, ClinGen allele CA13438245.

ClinVar aggregate classification (germline): Benign. Review status: criteria provided, multiple submitters, no conflicts (2 of 4 stars). 4 submissions from 3 submitters: Benign (4). Last evaluated 2021-07-10.

Conditions:
Autosomal recessive nonsyndromic hearing loss 18A. Also called: DEAFNESS, AUTOSOMAL RECESSIVE 18; Deafness, autosomal recessive 18A. Identifiers: Orphanet 90636, MedGen C1865870, MONDO:0011192, OMIM 602092.
Usher syndrome type 1C. Also called: USHER SYNDROME, TYPE I, ACADIAN VARIETY. Identifiers: Orphanet 231169, Orphanet 886, MedGen C1848604, MONDO:0010171, OMIM 276904.

Allele frequency attached by ClinVar (database versions not stated): gnomAD exomes 0.59375; 1000 Genomes Project 30x 0.59666; 1000 Genomes Project 0.60503; gnomAD 0.56388 and 0.57125; TOPMed 0.56617.
gnomAD v4.1: 872,502 of 1,475,084 alleles (59%); highest among the groups gnomAD compares: South Asian, 71%; 259,534 homozygotes.

Submissions (4):

Genome-Nilou Lab
Classification: Benign for Usher syndrome type 1C. Last evaluated: 2021-07-10. Review status: criteria provided, single submitter. Criteria: ACMG Guidelines, 2015. Collection method: clinical testing. Allele origin: germline. Affected: no.

Genome-Nilou Lab
Classification: Benign for Autosomal recessive nonsyndromic hearing loss 18A. Last evaluated: 2021-07-10. Review status: criteria provided, single submitter. Criteria: ACMG Guidelines, 2015. Collection method: clinical testing. Allele origin: germline. Affected: no.

GeneDx
Classification: Benign. Last evaluated: 2018-06-14. Review status: criteria provided, single submitter. Criteria: GeneDx Variant Classification (06012015). Collection method: clinical testing. Allele origin: germline. Affected: yes.
Comment: This variant is considered likely benign or benign based on one or more of the following criteria: it is a conservative change, it occurs at a poorly conserved position in the protein, it is predicted to be benign by multiple in silico algorithms, and/or has population frequency not consistent with disease.

Breakthrough Genomics
Classification: Benign. Review status: criteria provided, single submitter. Criteria: ACMG Guidelines, 2015. Collection method: not provided. Allele origin: germline. Inheritance: Autosomal recessive inheritance. Affected: yes.